The following is an entry in ClinVar:

ClinVar aggregate classification (germline): Pathogenic (1 of 4 stars; one submission).

Conditions:
Cerebral cavernous malformation 3. Also called: Familial Cerebral Cavernous Malformation 3. Identifiers: Orphanet 221061, MedGen C1864040, MONDO:0011305, OMIM 603285.

Submission:

Labcorp Genetics (formerly Invitae), Labcorp
Classification: Pathogenic for Cerebral cavernous malformation 3. Last evaluated: 2019-12-17. Review status: criteria provided, single submitter. Criteria: Invitae Variant Classification Sherloc (09022015). Collection method: clinical testing. Allele origin: unknown.
Comment: This variant has not been reported in the literature in individuals with PDCD10-related conditions. For these reasons, this variant has been classified as Pathogenic. Loss-of-function variants in PDCD10 are known to be pathogenic (PMID: 15543491, 18300272, 23801932). This variant results in the deletion of part of exon 2 (c.-117+7110_21delinsACTAATAC) of the PDCD10 gene. This is expected to result in an absent or disrupted protein product.

Literature cited by the submitters: PubMed 15543491; PubMed 18300272; PubMed 23801932.

NC_000003.11:g.(?_167437926)_(167445484_?)del

Gene: PDCD10 (programmed cell death 10; minus strand). Cytogenetic location: 3q26.1.
Variant type: Deletion.
Identifiers: ClinVar variation 3246893 (VCV003246893.1).